The following is an entry in ClinVar:

NM_002397.5(MEF2C):c.1A>G (p.Met1Val)

Gene: MEF2C (myocyte enhancer factor 2C; minus strand). Cytogenetic location: 5q14.3.
Variant type: single nucleotide variant.
Coding change: c.1A>G on transcript NM_002397.5 (MANE Select); coding-DNA position 1, A replaced by G.
Protein change: p.Met1Val; changes the start codon (methionine 1).
Molecular consequence: missense variant, initiator codon variant.
Genome position (GRCh38, 1-based): chr5:88,823,788, T>C on the plus strand (A>G on the coding strand, the complement: MEF2C is on the minus strand). VCF-style: chr5-88823788-T-C. GRCh37 (hg19) VCF-style: chr5-88119605-T-C.
Other names: NP_002388.2:p.(Met1?); c.1A>G, p.Met1Val (NM_001131005.2, NM_001193347.1, NM_001193348.1 and 29 more transcripts); short protein forms M1V.
Identifiers: ClinVar variation 570520 (VCV000570520.11), dbSNP rs1432291994, ClinGen allele CA360425369.

ClinVar aggregate classification (germline): Conflicting classifications of pathogenicity. Review status: criteria provided, conflicting classifications (1 of 4 stars). 3 submissions from 3 submitters: Pathogenic (1); Likely pathogenic (1); Uncertain significance (1). Last evaluated 2024-11-14.

Conditions:
Neurodevelopmental disorder with hypotonia, stereotypic hand movements, and impaired language. Also called: Intellectual disability, autosomal dominant 20. Identifiers: Orphanet 228384, Orphanet 664410, MedGen C3150700, MONDO:0013266, OMIM 613443.

Submissions (3):

Unidad de Genómica Garrahan, Hospital de Pediatría Garrahan
Classification: Likely pathogenic for Neurodevelopmental disorder with hypotonia, stereotypic hand movements, and impaired language. Last evaluated: 2024-11-14. Review status: criteria provided, single submitter. Criteria: ACMG Guidelines, 2015. Collection method: clinical testing. Allele origin: germline. Affected: yes. Observed: 1 variant allele.
Comment: This sequence change in exon 2 of the MEF2C gene, affects the translation initiation site (start-loss variant) and it would result in an amino acid change at position 1 of the protein (p.(Met1?)), with an unknown effect on the protein sequence. It is a null variant in a gene where loss of function is a known mechanism of disease. At the time ClinVar contains an entry of this variant with 1 pathogenic submission (Variation ID: 570520), and it has been previously reported in the literature (PMID: 34055696) as pathogenic in an individual with severe hypotonia and developmental delay, with a de novo origin. Additionally, three variants affecting the same amino acid have been reported and classified as pathogenic (ClinVar Variation IDs: 211494 and 206137, and PMID: 34055696). It has an extremely low frequency in population databases (gnomAD, <0.01). For these reasons, we have classified this variant as Likely Pathogenic, according to the following ACMG criteria: PVS1_moderate, PS1_strong, PM2_moderate and PM6_supporting.

Mendelics
Classification: Pathogenic for Neurodevelopmental disorder with hypotonia, stereotypic hand movements, and impaired language. Last evaluated: 2022-05-04. Review status: criteria provided, single submitter. Criteria: Mendelics Assertion Criteria 2019. Collection method: clinical testing. Allele origin: germline.

Labcorp Genetics (formerly Invitae), Labcorp
Classification: Uncertain significance for Neurodevelopmental disorder with hypotonia, stereotypic hand movements, and impaired language. Last evaluated: 2018-04-17. Review status: criteria provided, single submitter. Criteria: Invitae Variant Classification Sherloc (09022015). Collection method: clinical testing. Allele origin: germline.
Comment: In summary, the available evidence is currently insufficient to determine the role of this variant in disease. Therefore, it has been classified as a Variant of Uncertain Significance. This variant has not been reported in the literature in individuals with MEF2C-related disease. However a different variant, c.3G>C, that also disrupts the initiator codon has been reported in an individual affected with abnormality of the nervous system (PMID: 26633542). This variant is not present in population databases (ExAC no frequency). This sequence change affects the initiator methionine of the MEF2C mRNA. The next in-frame methionine is located at codon 12.

Literature cited by the submitters: PubMed 26633542 (cited by Labcorp Genetics (formerly Invitae), Labcorp).